The following is an entry in ClinVar:

ClinVar aggregate classification (germline): Uncertain significance (1 of 4 stars; one submission).

Conditions:
Neurofibromatosis, type 1 (NF1). Also called: Neurofibromatosis, type I; VON RECKLINGHAUSEN DISEASE; NEUROFIBROMATOSIS, TYPE I, SOMATIC; Peripheral type neurofibromatosis. Identifiers: Orphanet 636, MedGen C0027831, MONDO:0018975, OMIM 162200. Disease mechanism: loss of function.

gnomAD v4.1: 1 of 1,614,194 alleles (0.000062%); no homozygotes.

Submission:

Labcorp Genetics (formerly Invitae), Labcorp
Classification: Uncertain significance for Neurofibromatosis, type 1. Last evaluated: 2022-10-03. Review status: criteria provided, single submitter. Criteria: Invitae Variant Classification Sherloc (09022015). Collection method: clinical testing. Allele origin: germline.
Comment: This sequence change replaces serine, which is neutral and polar, with phenylalanine, which is neutral and non-polar, at codon 1654 of the NF1 protein (p.Ser1654Phe). This variant is not present in population databases (gnomAD no frequency). This variant has not been reported in the literature in individuals affected with NF1-related conditions. Advanced modeling of protein sequence and biophysical properties (such as structural, functional, and spatial information, amino acid conservation, physicochemical variation, residue mobility, and thermodynamic stability) performed at Invitae indicates that this missense variant is not expected to disrupt NF1 protein function. In summary, the available evidence is currently insufficient to determine the role of this variant in disease. Therefore, it has been classified as a Variant of Uncertain Significance.

NM_001042492.3(NF1):c.5024C>T (p.Ser1675Phe)

Gene: NF1 (neurofibromin 1; plus strand). Cytogenetic location: 17q11.2.
Variant type: single nucleotide variant.
Coding change: c.5024C>T on transcript NM_001042492.3 (MANE Select); coding-DNA position 5024, C replaced by T.
Protein change: p.Ser1675Phe; replaces serine 1675 with phenylalanine.
Molecular consequence: missense variant.
Genome position (GRCh38, 1-based): chr17:31,326,008, C>T. VCF-style: chr17-31326008-C-T. GRCh37 (hg19) VCF-style: chr17-29653026-C-T.
Other names: c.4961C>T, p.Ser1654Phe (NM_000267.4); short protein forms S1654F, S1675F.
Identifiers: ClinVar variation 2197580 (VCV002197580.4), dbSNP rs2151538174, ClinGen allele CA399007344.